The following is an entry in ClinVar:

NM_000317.3(PTS):c.166G>A (p.Val56Met)

Gene: PTS (6-pyruvoyltetrahydropterin synthase; plus strand). Cytogenetic location: 11q23.1.
Variant type: single nucleotide variant.
Coding change: c.166G>A on transcript NM_000317.3 (MANE Select); coding-DNA position 166, G replaced by A.
Protein change: p.Val56Met; replaces valine 56 with methionine.
Molecular consequence: missense variant.
Genome position (GRCh38, 1-based): chr11:112,230,210, G>A. VCF-style: chr11-112230210-G-A. GRCh37 (hg19) VCF-style: chr11-112100933-G-A.
Other names: short protein forms V56M.
Identifiers: ClinVar variation 481 (VCV000000481.25), dbSNP rs104894277, ClinGen allele CA114320.

ClinVar aggregate classification (germline): Pathogenic/Likely pathogenic. Review status: criteria provided, multiple submitters, no conflicts (2 of 4 stars). 9 submissions from 9 submitters: Pathogenic (5); Likely pathogenic (2). 2 of the submissions do not count toward it. Last evaluated 2025-03-31.

Conditions:
6-Pyruvoyl-tetrahydrobiopterin synthase deficiency. Also called: Hyperphenylalanemia, BH4-deficient, A; Hyperphenylalaninemia due to 6-pyruvoyl-tetrahydropterin synthase deficiency; BH4-deficient hyperphenylalaninemia A; PTS DEFICIENCY; HYPERPHENYLALANINEMIA, TETRAHYDROBIOPTERIN-DEFICIENT, DUE TO PTS DEFICIENCY; PTS-Related Tetrahydrobiopterin Deficiency. Identifiers: Orphanet 13, Orphanet 238583, MedGen C0878676, MONDO:0009863, OMIM 261640.

Allele frequency attached by ClinVar (database versions not stated): TOPMed 0.00004.
gnomAD v4.1: 4 of 1,613,396 alleles (0.00025%); highest among the groups gnomAD compares: East Asian, 0.0089%; no homozygotes.

Submissions (9):

Natera, Inc.
Classification: Pathogenic for 6-Pyruvoyl-tetrahydrobiopterin synthase deficiency. Last evaluated: 2025-03-31. Review status: criteria provided, single submitter. Criteria: Natera Variant Classification Schema (03/2026). Collection method: clinical testing. Allele origin: germline.
Comment: The c.166G>A variant in PTS is a missense variant predicted to cause substitution of valine to methionine at amino acid 56. This variant is rare in the general population with a frequency below the threshold expected for the associated phenotype(s). This variant has been observed in one or more individuals affected with the associated recessive disease, as either homozygous or compound heterozygous with a second variant (PMID: 9450907, 23138986, 30904546). Computational prediction algorithms indicate this variant is likely to affect gene or protein function. Given the available evidence, this variant is classified as Pathogenic.

Fulgent Genetics
Classification: Likely pathogenic for 6-Pyruvoyl-tetrahydrobiopterin synthase deficiency. Last evaluated: 2024-05-15. Review status: criteria provided, single submitter. Criteria: ACMG Guidelines, 2015. Collection method: clinical testing. Allele origin: germline.

Baylor Genetics
Classification: Pathogenic for 6-Pyruvoyl-tetrahydrobiopterin synthase deficiency. Last evaluated: 2023-08-30. Review status: criteria provided, single submitter. Criteria: ACMG Guidelines, 2015. Collection method: clinical testing. Allele origin: unknown.

Labcorp Genetics (formerly Invitae), Labcorp
Classification: Pathogenic for 6-Pyruvoyl-tetrahydrobiopterin synthase deficiency. Last evaluated: 2023-07-28. Review status: criteria provided, single submitter. Criteria: Invitae Variant Classification Sherloc (09022015). Collection method: clinical testing. Allele origin: germline.
Comment: This sequence change replaces valine, which is neutral and non-polar, with methionine, which is neutral and non-polar, at codon 56 of the PTS protein (p.Val56Met). This variant is present in population databases (rs104894277, gnomAD 0.02%). This missense change has been observed in individual(s) with biopterin-deficient hyperphenylalaninemia (PMID: 9450907, 23138986). ClinVar contains an entry for this variant (Variation ID: 481). Algorithms developed to predict the effect of missense changes on protein structure and function output the following: SIFT: "Not Available"; PolyPhen-2: "Benign"; Align-GVGD: "Not Available". The methionine amino acid residue is found in multiple mammalian species, which suggests that this missense change does not adversely affect protein function. For these reasons, this variant has been classified as Pathogenic.

Revvity Omics, Revvity
Classification: Likely pathogenic for 6-Pyruvoyl-tetrahydrobiopterin synthase deficiency. Last evaluated: 2023-06-30. Review status: criteria provided, single submitter. Criteria: ACMG Guidelines, 2015. Collection method: clinical testing. Allele origin: germline.

Genome-Nilou Lab
Classification: Pathogenic for 6-Pyruvoyl-tetrahydrobiopterin synthase deficiency. Last evaluated: 2021-09-05. Review status: criteria provided, single submitter. Criteria: ACMG Guidelines, 2015. Collection method: clinical testing. Allele origin: germline. Affected: no.

Juno Genomics, Hangzhou Juno Genomics, Inc
Classification: Pathogenic for 6-Pyruvoyl-tetrahydrobiopterin synthase deficiency. Review status: criteria provided, single submitter. Criteria: ACMG Guidelines, 2015. Collection method: clinical testing. Allele origin: germline. Affected: yes.
Comment: Absent from controls (or at extremely low frequency if recessive) in Genome Aggregation Database, Exome Sequencing Project, 1000 Genomes Project, or Exome Aggregation Consortium.;Multiple lines of computational evidence support a deleterious effect on the gene or gene product (conservation, evolutionary, splicing impact, etc).;For recessive disorders, detected in trans with a pathogenic variant.;Patient's phenotype or family history is highly specific for a disease with a single genetic etiology.

Counsyl
Classification: Likely pathogenic for 6-Pyruvoyl-tetrahydrobiopterin synthase deficiency. Last evaluated: 2017-05-30. Review status: no assertion criteria provided. Collection method: clinical testing. Allele origin: unknown. Not counted in ClinVar's aggregate classification.

OMIM
Classification: Pathogenic for HYPERPHENYLALANINEMIA, BH4-DEFICIENT, A. Last evaluated: 1998-01-01. Review status: no assertion criteria provided. Collection method: literature only. Allele origin: germline. Not counted in ClinVar's aggregate classification.

Literature cited by the submitters: PubMed 9450907 (cited by 4 submitters); PubMed 23138986 (cited by Natera, Inc. and Labcorp Genetics (formerly Invitae), Labcorp); PubMed 30904546 (cited by Natera, Inc.); PubMed 22237589 (cited by Counsyl); PubMed 23942198 (cited by Counsyl).